The following is an entry in ClinVar:

ClinVar aggregate classification (germline): Uncertain significance (1 of 4 stars; one submission).

Conditions:
Primary ciliary dyskinesia. Also called: Ciliary dyskinesia. Identifiers: Orphanet 244, MedGen C0008780, MONDO:0016575, HP:0012265.

Submission:

Labcorp Genetics (formerly Invitae), Labcorp
Classification: Uncertain significance for Primary ciliary dyskinesia. Last evaluated: 2025-07-20. Review status: criteria provided, single submitter. Criteria: Invitae Variant Classification Sherloc (09022015). Collection method: clinical testing. Allele origin: germline.
Comment: This sequence change replaces asparagine, which is neutral and polar, with tyrosine, which is neutral and polar, at codon 331 of the CCDC39 protein (p.Asn331Tyr). This variant is not present in population databases (gnomAD no frequency). This variant has not been reported in the literature in individuals affected with CCDC39-related conditions. ClinVar contains an entry for this variant (Variation ID: 525344). An algorithm developed to predict the effect of missense changes on protein structure and function (PolyPhen-2) suggests that this variant is likely to be disruptive. In summary, the available evidence is currently insufficient to determine the role of this variant in disease. Therefore, it has been classified as a Variant of Uncertain Significance.

NM_181426.2(CCDC39):c.991A>T (p.Asn331Tyr)

Gene: CCDC39 (coiled-coil domain 39 molecular ruler complex subunit; minus strand). Cytogenetic location: 3q26.33.
Variant type: single nucleotide variant.
Coding change: c.991A>T on transcript NM_181426.2 (MANE Select); coding-DNA position 991, A replaced by T.
Protein change: p.Asn331Tyr; replaces asparagine 331 with tyrosine.
Molecular consequence: missense variant.
Genome position (GRCh38, 1-based): chr3:180,652,206, T>A on the plus strand (A>T on the coding strand, the complement: CCDC39 is on the minus strand). VCF-style: chr3-180652206-T-A. GRCh37 (hg19) VCF-style: chr3-180369994-T-A.
Other names: short protein forms N331Y.
Identifiers: ClinVar variation 525344 (VCV000525344.7), dbSNP rs1553804772, ClinGen allele CA355299383.